The following is an entry in ClinVar:

ClinVar aggregate classification (germline): Uncertain significance (1 of 4 stars; one submission).

Allele frequency attached by ClinVar (database versions not stated): gnomAD exomes below 0.00001.
gnomAD v4.1: 1 of 1,550,408 alleles (0.000064%); highest among the groups gnomAD compares: Admixed American, 0.002%; no homozygotes.

Submission:

Labcorp Genetics (formerly Invitae), Labcorp
Classification: Uncertain significance. Last evaluated: 2024-10-22. Review status: criteria provided, single submitter. Criteria: Invitae Variant Classification Sherloc (09022015). Collection method: clinical testing. Allele origin: germline.
Comment: This sequence change replaces serine, which is neutral and polar, with arginine, which is basic and polar, at codon 3760 of the ZNF469 protein (p.Ser3760Arg). This variant is not present in population databases (gnomAD no frequency). This variant has not been reported in the literature in individuals affected with ZNF469-related conditions. ClinVar contains an entry for this variant (Variation ID: 2110133). An algorithm developed to predict the effect of missense changes on protein structure and function (PolyPhen-2) suggests that this variant is likely to be tolerated. In summary, the available evidence is currently insufficient to determine the role of this variant in disease. Therefore, it has been classified as a Variant of Uncertain Significance.

NM_001367624.2(ZNF469):c.11364C>G (p.Ser3788Arg)

Gene: ZNF469 (zinc finger protein 469; plus strand). Cytogenetic location: 16q24.2.
Variant type: single nucleotide variant.
Coding change: c.11364C>G on transcript NM_001367624.2 (MANE Select); coding-DNA position 11364, C replaced by G.
Protein change: p.Ser3788Arg; replaces serine 3788 with arginine.
Molecular consequence: missense variant.
Genome position (GRCh38, 1-based): chr16:88,438,834, C>G. VCF-style: chr16-88438834-C-G. GRCh37 (hg19) VCF-style: chr16-88505242-C-G.
Other names: short protein forms S3788R.
Identifiers: ClinVar variation 2110133 (VCV002110133.4), dbSNP rs2507608891, ClinGen allele CA397129862.